The following is an entry in ClinVar:

ClinVar aggregate classification (germline): Uncertain significance. Review status: criteria provided, multiple submitters, no conflicts (2 of 4 stars). 2 submissions from 2 submitters: Uncertain significance (2). Last evaluated 2025-11-05.

Conditions:
Hereditary cancer-predisposing syndrome. Also called: Hereditary Cancer Syndrome; Hereditary neoplastic syndrome; Neoplastic Syndromes, Hereditary; Tumor predisposition. Identifiers: Orphanet 140162, MedGen C0027672, MeSH D009386, MONDO:0015356.
Carney complex, type 1 (CNC1). Also called: CARNEY MYXOMA-ENDOCRINE COMPLEX; CARNEY COMPLEX, TYPE I. Identifiers: Orphanet 1359, MedGen C2607929, MONDO:0008057, OMIM 160980.

Allele frequency attached by ClinVar (database versions not stated): TOPMed below 0.00001; gnomAD 0.00001; gnomAD exomes 0.00001.
gnomAD v4.1: 5 of 1,613,374 alleles (0.00031%); highest among the groups gnomAD compares: Non-Finnish European, 0.00042%; no homozygotes.

Submissions (2):

Labcorp Genetics (formerly Invitae), Labcorp
Classification: Uncertain significance for Carney complex, type 1. Last evaluated: 2025-11-05. Review status: criteria provided, single submitter. Criteria: Invitae Variant Classification Sherloc (09022015). Collection method: clinical testing. Allele origin: germline.
Comment: This sequence change replaces lysine, which is basic and polar, with arginine, which is basic and polar, at codon 32 of the PRKAR1A protein (p.Lys32Arg). This variant is present in population databases (no rsID available, gnomAD 0.0009%). This variant has not been reported in the literature in individuals affected with PRKAR1A-related conditions. ClinVar contains an entry for this variant (Variation ID: 1767509). Invitae Evidence Modeling of protein sequence and biophysical properties (such as structural, functional, and spatial information, amino acid conservation, physicochemical variation, residue mobility, and thermodynamic stability) indicates that this missense variant is not expected to disrupt PRKAR1A protein function with a negative predictive value of 95%. In summary, the available evidence is currently insufficient to determine the role of this variant in disease. Therefore, it has been classified as a Variant of Uncertain Significance.

Ambry Genetics
Classification: Uncertain significance for Hereditary cancer-predisposing syndrome. Last evaluated: 2025-02-05. Review status: criteria provided, single submitter. Criteria: Ambry Variant Classification Scheme 2023. Collection method: clinical testing. Allele origin: germline.
Comment: The p.K32R variant (also known as c.95A>G), located in coding exon 1 of the PRKAR1A gene, results from an A to G substitution at nucleotide position 95. The lysine at codon 32 is replaced by arginine, an amino acid with highly similar properties. This amino acid position is highly conserved in available vertebrate species. In addition, this alteration is predicted to be deleterious by in silico analysis. Based on the available evidence, the clinical significance of this variant remains unclear.

NM_002734.5(PRKAR1A):c.95A>G (p.Lys32Arg)

Gene: PRKAR1A (protein kinase cAMP-dependent type I regulatory subunit alpha; plus strand). Cytogenetic location: 17q24.2.
Variant type: single nucleotide variant.
Coding change: c.95A>G on transcript NM_002734.5 (MANE Select); coding-DNA position 95, A replaced by G.
Protein change: p.Lys32Arg; replaces lysine 32 with arginine.
Molecular consequence: missense variant.
Genome position (GRCh38, 1-based): chr17:68,515,494, A>G. VCF-style: chr17-68515494-A-G. GRCh37 (hg19) VCF-style: chr17-66511635-A-G.
Other names: c.95A>G, p.Lys32Arg (NM_001276289.2, NM_001276290.1, NM_001278433.2 and 4 more transcripts); short protein forms K32R.
Identifiers: ClinVar variation 1767509 (VCV001767509.8), dbSNP rs1176097601, ClinGen allele CA400751955.